The following is an entry in ClinVar:

NM_000179.3(MSH6):c.1248del (p.Lys417fs)

Gene: MSH6 (mutS homolog 6; plus strand). Cytogenetic location: 2p16.3.
Variant type: Deletion.
Coding change: c.1248del on transcript NM_000179.3 (MANE Select); coding-DNA position 1248, one base deleted (T; older notation c.1248delT).
Protein change: p.Lys417fs; shifts the reading frame from lysine 417.
Molecular consequence: frameshift variant.
Genome position (GRCh38, 1-based): chr2:47,799,231, T deleted; the last of 2 consecutive T bases (chr2:47,799,230-47,799,231); deleting either gives the same sequence. VCF-style (leftmost placement, unchanged base first): chr2-47799229-AT-A. GRCh37 (hg19) VCF-style: chr2-48026368-AT-A.
Other names: c.858del, p.Lys287fs (NM_001281492.2); c.342del, p.Lys115fs (NM_001281493.2, NM_001281494.2); c.1344delT, p.Lys449Serfs (NM_001406795.1, NM_001406802.1); c.1248delT, p.Lys417Serfs (NM_001406796.1, NM_001406798.1, NM_001406800.1 and 4 more transcripts); c.951delT, p.Lys318Serfs (NM_001406797.1, NM_001406801.1, NM_001406805.1 and 10 more transcripts); c.723delT, p.Lys242Serfs (NM_001406799.1, NM_001406806.1, NM_001406807.1); c.1170delT, p.Lys391Serfs (NM_001406804.1); c.342delT, p.Lys115Serfs (NM_001406811.1, NM_001406812.1, NM_001406814.1 and 4 more transcripts); and 2 more; short protein forms K115fs, K287fs, K417fs.
Identifiers: ClinVar variation 1709829 (VCV001709829.6), dbSNP rs778555956, ClinGen allele CA2580067534.

ClinVar aggregate classification (germline): Pathogenic/Likely pathogenic. Review status: criteria provided, multiple submitters, no conflicts (2 of 4 stars). 4 submissions from 4 submitters: Pathogenic (2); Likely pathogenic (2). Last evaluated 2025-02-12.

Conditions:
Hereditary nonpolyposis colorectal neoplasms. Identifiers: MedGen C0009405, MeSH D003123.
Hereditary cancer-predisposing syndrome. Also called: Neoplastic Syndromes, Hereditary; Tumor predisposition; Hereditary Cancer Syndrome; Hereditary neoplastic syndrome. Identifiers: Orphanet 140162, MedGen C0027672, MeSH D009386, MONDO:0015356.
Endometrial carcinoma. Also called: Endometrial carcinoma, somatic. Identifiers: MedGen C0476089, MONDO:0002447, OMIM 608089, HP:0012114.
Lynch syndrome 5 (LYNCH5). Also called: Colorectal cancer, hereditary nonpolyposis, type 5; Hereditary non-polyposis colorectal cancer, type 5. Identifiers: Orphanet 144, MedGen C1833477, MONDO:0013710, OMIM 614350. Disease mechanism: loss of function.

Submissions (4):

Labcorp Genetics (formerly Invitae), Labcorp
Classification: Pathogenic for Hereditary nonpolyposis colorectal neoplasms. Last evaluated: 2025-02-12. Review status: criteria provided, single submitter. Criteria: Invitae Variant Classification Sherloc (09022015). Collection method: clinical testing. Allele origin: germline.
Comment: This sequence change creates a premature translational stop signal (p.Lys417Serfs*36) in the MSH6 gene. It is expected to result in an absent or disrupted protein product. Loss-of-function variants in MSH6 are known to be pathogenic (PMID: 18269114, 24362816). This variant is not present in population databases (gnomAD no frequency). This variant has not been reported in the literature in individuals affected with MSH6-related conditions. ClinVar contains an entry for this variant (Variation ID: 1709829). For these reasons, this variant has been classified as Pathogenic.

Baylor Genetics
Classification: Likely pathogenic for Endometrial carcinoma. Last evaluated: 2023-06-29. Review status: criteria provided, single submitter. Criteria: ACMG Guidelines, 2015. Collection method: clinical testing. Allele origin: unknown.

Ambry Genetics
Classification: Pathogenic for Hereditary cancer-predisposing syndrome. Last evaluated: 2023-03-09. Review status: criteria provided, single submitter. Criteria: Ambry Variant Classification Scheme 2023. Collection method: clinical testing. Allele origin: germline.
Comment: The c.1248delT pathogenic mutation, located in coding exon 4 of the MSH6 gene, results from a deletion of one nucleotide at nucleotide position 1248, causing a translational frameshift with a predicted alternate stop codon (p.K417Sfs*36). This variant is considered to be rare based on population cohorts in the Genome Aggregation Database (gnomAD). This alteration is expected to result in loss of function by premature protein truncation or nonsense-mediated mRNA decay. As such, this alteration is interpreted as a disease-causing mutation.his variant is considered to be rare based on population cohorts in the Genome Aggregation Database (gnomAD).

MGZ Medical Genetics Center
Classification: Likely pathogenic for Lynch syndrome 5. Last evaluated: 2021-06-29. Review status: criteria provided, single submitter. Criteria: ACMG Guidelines, 2015. Collection method: clinical testing. Allele origin: germline. Affected: yes. Observed: 1 variant allele.
Comment: ACMG criteria applied: PVS1, PM2_SUP

Literature cited by the submitters: PubMed 18269114 (cited by Labcorp Genetics (formerly Invitae), Labcorp); PubMed 24362816 (cited by Labcorp Genetics (formerly Invitae), Labcorp).